The following is an entry in ClinVar:

ClinVar aggregate classification (germline): Uncertain significance (1 of 4 stars; one submission).

Conditions:
SLC35A2-congenital disorder of glycosylation. Also called: SLC35A2-CDG; CONGENITAL DISORDER OF GLYCOSYLATION, TYPE IIm; CDG IIm; CONGENITAL DISORDER OF GLYCOSYLATION, TYPE IIm, SOMATIC MOSAIC; EPILEPTIC ENCEPHALOPATHY, EARLY INFANTILE, 22; DEVELOPMENTAL AND EPILEPTIC ENCEPHALOPATHY 22. Identifiers: Orphanet 356961, MedGen C3806688, MONDO:0010478, OMIM 300896.

Submission:

Labcorp Genetics (formerly Invitae), Labcorp
Classification: Uncertain significance for SLC35A2-congenital disorder of glycosylation. Last evaluated: 2022-11-08. Review status: criteria provided, single submitter. Criteria: Invitae Variant Classification Sherloc (09022015). Collection method: clinical testing. Allele origin: germline.
Comment: This sequence change replaces aspartic acid, which is acidic and polar, with glycine, which is neutral and non-polar, at codon 321 of the SLC35A2 protein (p.Asp321Gly). In summary, the available evidence is currently insufficient to determine the role of this variant in disease. Therefore, it has been classified as a Variant of Uncertain Significance. Algorithms developed to predict the effect of missense changes on protein structure and function (SIFT, PolyPhen-2, Align-GVGD) all suggest that this variant is likely to be tolerated. This variant has not been reported in the literature in individuals affected with SLC35A2-related conditions. This variant is not present in population databases (gnomAD no frequency).

NM_005660.3(SLC35A2):c.962A>G (p.Asp321Gly)

Gene: SLC35A2 (solute carrier family 35 member A2; minus strand). Cytogenetic location: Xp11.23.
Variant type: single nucleotide variant.
Coding change: c.962A>G on transcript NM_005660.3 (MANE Select); coding-DNA position 962, A replaced by G.
Protein change: p.Asp321Gly; replaces aspartic acid 321 with glycine.
Molecular consequence: missense variant. On other transcripts: intron variant (3).
Genome position (GRCh38, 1-based): chrX:48,904,947, T>C on the plus strand (A>G on the coding strand, the complement: SLC35A2 is on the minus strand). VCF-style: chrX-48904947-T-C. GRCh37 (hg19) VCF-style: chrX-48762224-T-C.
Other names: c.962A>G, p.Asp321Gly (NM_001042498.3); c.779A>G, p.Asp260Gly (NM_001282649.2); c.1001A>G, p.Asp334Gly (NM_001282650.2); c.1046A>G, p.Asp349Gly (NM_001282651.2); c.427-55A>G (NM_001282647.2, NM_001032289.3); c.355-55A>G (NM_001282648.2); short protein forms D321G, D334G, D260G, D349G.
Identifiers: ClinVar variation 1919471 (VCV001919471.5), dbSNP rs2519644277, ClinGen allele CA412894632.